The following is an entry in ClinVar:

ClinVar aggregate classification (germline): Uncertain significance (1 of 4 stars; one submission).

Conditions:
Hereditary cancer-predisposing syndrome. Also called: Tumor predisposition; Hereditary Cancer Syndrome; Neoplastic Syndromes, Hereditary; Hereditary neoplastic syndrome. Identifiers: Orphanet 140162, MedGen C0027672, MeSH D009386, MONDO:0015356.

Submission:

Color Diagnostics, LLC DBA Color Health
Classification: Uncertain significance for Hereditary cancer-predisposing syndrome. Last evaluated: 2025-12-09. Review status: criteria provided, single submitter. Criteria: ACMG Guidelines, 2015. Collection method: clinical testing. Allele origin: germline.
Comment: This missense variant replaces valine with leucine at codon 168 of the PMS2 protein. Computational prediction suggests that this variant may have deleterious impact on protein structure and function. To our knowledge, functional studies have not been reported for this variant. This variant has not been reported in individuals affected with PMS2-related disorders in the literature. This variant has not been identified in the general population by the Genome Aggregation Database (gnomAD). The available evidence is insufficient to determine the role of this variant in disease conclusively. Therefore, this variant is classified as a Variant of Uncertain Significance.

NM_000535.7(PMS2):c.502G>T (p.Val168Leu)

Gene: PMS2 (PMS1 homolog 2, mismatch repair system component; minus strand). Cytogenetic location: 7p22.1.
Variant type: single nucleotide variant.
Coding change: c.502G>T on transcript NM_000535.7 (MANE Select); coding-DNA position 502, G replaced by T.
Protein change: p.Val168Leu; replaces valine 168 with leucine.
Molecular consequence: missense variant. On other transcripts: 5 prime UTR variant (2), non-coding transcript variant (1), intron variant (1).
Genome position (GRCh38, 1-based): chr7:6,002,488, C>A on the plus strand (G>T on the coding strand, the complement: PMS2 is on the minus strand). VCF-style: chr7-6002488-C-A. GRCh37 (hg19) VCF-style: chr7-6042119-C-A.
Other names: c.97G>T, p.Val33Leu (NM_001322004.2, NM_001322005.2, NM_001322003.2 and 24 more transcripts); c.502G>T, p.Val168Leu (NM_001322006.2, NM_001322014.2, NM_001406869.1 and 8 more transcripts); c.184G>T, p.Val62Leu (NM_001322007.2, NM_001322008.2, NM_001406876.1 and 4 more transcripts); c.-383G>T (NM_001322011.2, NM_001322012.2); c.193G>T, p.Val65Leu (NM_001322015.2, NM_001406875.1, NM_001406877.1 and 6 more transcripts); c.688G>T, p.Val230Leu (NM_001406866.1); c.526G>T, p.Val176Leu (NM_001406868.1); c.250+1484G>T (NM_001406885.1); short protein forms V168L, V176L, V230L, V33L, V62L, V65L.
Identifiers: ClinVar variation 4756345 (VCV004756345.1).